The following is an entry in ClinVar:

NM_005045.4(RELN):c.9567A>C (p.Lys3189Asn)

Genes: RELN (reelin; minus strand), SLC26A5-AS1 (SLC26A5 antisense RNA 1; plus strand), LOC126860130 (BRD4-independent group 4 enhancer GRCh37_chr7:103130126-103131325; plus strand). Cytogenetic location: 7q22.1.
Variant type: single nucleotide variant.
Coding change: c.9567A>C on transcript NM_005045.4 (MANE Select); coding-DNA position 9567, A replaced by C.
Protein change: p.Lys3189Asn; replaces lysine 3189 with asparagine.
Molecular consequence: missense variant.
Genome position (GRCh38, 1-based): chr7:103,490,706, T>G on the plus strand (A>C on the coding strand, the complement: RELN is on the minus strand). VCF-style: chr7-103490706-T-G. GRCh37 (hg19) VCF-style: chr7-103131153-T-G.
Other names: c.9567A>C, p.Lys3189Asn (NM_173054.3); short protein forms K3189N.
Identifiers: ClinVar variation 4281880 (VCV004281880.3).

ClinVar aggregate classification (germline): Uncertain significance. Review status: criteria provided, multiple submitters, no conflicts (2 of 4 stars). 3 submissions from 3 submitters: Uncertain significance (3). Last evaluated 2025-12-09.

Conditions:
Inborn genetic diseases. Identifiers: MedGen C0950123, MeSH D030342.
Familial temporal lobe epilepsy 7. Identifiers: Orphanet 101046, MedGen C4225327, MONDO:0014639, OMIM 616436.
Norman-Roberts syndrome (LIS2). Also called: Lissencephaly 2 (Norman-Roberts type). Identifiers: Orphanet 89844, MedGen C0796089, MONDO:0009760, OMIM 257320.

gnomAD v4.1: 59 of 1,614,096 alleles (0.0037%); highest among the groups gnomAD compares: Non-Finnish European, 0.0047%; no homozygotes.

Submissions (3):

Ambry Genetics
Classification: Uncertain significance for Inborn genetic diseases. Last evaluated: 2025-12-09. Review status: criteria provided, single submitter. Criteria: Ambry Variant Classification Scheme 2023. Collection method: clinical testing. Allele origin: germline.

Labcorp Genetics (formerly Invitae), Labcorp
Classification: Uncertain significance for Familial temporal lobe epilepsy 7; Norman-Roberts syndrome. Last evaluated: 2025-07-14. Review status: criteria provided, single submitter. Criteria: Invitae Variant Classification Sherloc (09022015). Collection method: clinical testing. Allele origin: germline.
Comment: This sequence change replaces lysine, which is basic and polar, with asparagine, which is neutral and polar, at codon 3189 of the RELN protein (p.Lys3189Asn). This variant is present in population databases (rs764765077, gnomAD 0.01%). This variant has not been reported in the literature in individuals affected with RELN-related conditions. Invitae Evidence Modeling of protein sequence and biophysical properties (such as structural, functional, and spatial information, amino acid conservation, physicochemical variation, residue mobility, and thermodynamic stability) indicates that this missense variant is not expected to disrupt RELN protein function with a negative predictive value of 80%. In summary, the available evidence is currently insufficient to determine the role of this variant in disease. Therefore, it has been classified as a Variant of Uncertain Significance.

GeneDx
Classification: Uncertain significance. Last evaluated: 2025-04-17. Review status: criteria provided, single submitter. Criteria: GeneDx Variant Classification Process June 2021. Collection method: clinical testing. Allele origin: germline. Affected: yes.
Comment: Not observed at significant frequency in large population cohorts (gnomAD); In silico analysis indicates that this missense variant does not alter protein structure/function; Has not been previously published as pathogenic or benign to our knowledge